The following is an entry in ClinVar:

ClinVar aggregate classification (germline): Benign. Review status: criteria provided, multiple submitters, no conflicts (2 of 4 stars). 4 submissions from 4 submitters: Benign (4). Last evaluated 2026-02-03.

Conditions:
Warburg micro syndrome 2 (WARBM2). Also called: MICRO SYNDROME 2. Identifiers: Orphanet 2510, MedGen C3280214, MONDO:0013641, OMIM 614225.
Martsolf syndrome (MARTS). Also called: Congenital cataract with intellectual disability and hypogonadotropic hypogonadism syndrome. Identifiers: Orphanet 1387, MedGen C0796037, MONDO:0023910.

Submissions (4):

Labcorp Genetics (formerly Invitae), Labcorp
Classification: Benign for Martsolf syndrome; Warburg micro syndrome 2. Last evaluated: 2026-02-03. Review status: criteria provided, single submitter. Criteria: Invitae Variant Classification Sherloc (09022015). Collection method: clinical testing. Allele origin: germline.

Blueprint Genetics
Classification: Benign. Last evaluated: 2024-11-26. Review status: criteria provided, single submitter. Criteria: ACMG Guidelines, 2015. Collection method: clinical testing. Allele origin: germline.

Mayo Clinic Laboratories, Mayo Clinic
Classification: Benign. Last evaluated: 2023-01-03. Review status: criteria provided, single submitter. Criteria: ACMG Guidelines, 2015. Collection method: clinical testing. Allele origin: germline. Observed: 131 variant alleles.
Comment: BA1

GeneDx
Classification: Benign. Last evaluated: 2018-05-10. Review status: criteria provided, single submitter. Criteria: GeneDx Variant Classification (06012015). Collection method: clinical testing. Allele origin: germline. Affected: yes.
Comment: This variant is considered likely benign or benign based on one or more of the following criteria: it is a conservative change, it occurs at a poorly conserved position in the protein, it is predicted to be benign by multiple in silico algorithms, and/or has population frequency not consistent with disease.

NM_012414.4(RAB3GAP2):c.812-6del

Gene: RAB3GAP2 (RAB3 GTPase activating non-catalytic protein subunit 2; minus strand). Cytogenetic location: 1q41.
Variant type: Deletion.
Coding change: c.812-6del on transcript NM_012414.4 (MANE Select); 6 bases into the intron before coding-DNA position 812, one base deleted (T; older notation c.812-6delT).
Molecular consequence: intron variant.
Genome position (GRCh38, 1-based): chr1:220,196,404, A deleted on the plus strand (T on the coding strand, the reverse complement: RAB3GAP2 is on the minus strand); the first of 12 consecutive A bases (chr1:220,196,404-220,196,415); deleting any one gives the same sequence. VCF-style (leftmost placement, unchanged base first): chr1-220196403-TA-T. GRCh37 (hg19) VCF-style: chr1-220369745-TA-T.
Other names: p.?; c.812-6delT (NM_012414.3).
Identifiers: ClinVar variation 295665 (VCV000295665.18), dbSNP rs35396665, ClinGen allele CA1402842.